The following is an entry in ClinVar:

ClinVar aggregate classification (germline): Conflicting classifications of pathogenicity. Review status: criteria provided, conflicting classifications (1 of 4 stars). 5 submissions from 4 submitters: Uncertain significance (4); Likely benign (1). Last evaluated 2025-11-05.

Conditions:
LAMB2-related infantile-onset nephrotic syndrome. Also called: NEPHROTIC SYNDROME, TYPE 5, WITHOUT OCULAR ABNORMALITIES; NEPHROTIC SYNDROME, TYPE 5, WITH OCULAR ABNORMALITIES; Nephrotic Syndrome, type 5. Identifiers: Orphanet 306507, MedGen C3280113, MONDO:0013621, OMIM 614199.
Pierson syndrome. Also called: MICROCORIA-CONGENITAL NEPHROTIC SYNDROME. Identifiers: Orphanet 2670, MedGen C1836876, MONDO:0012184, OMIM 609049.

Allele frequency attached by ClinVar (database versions not stated): 1000 Genomes Project 30x 0.00016; 1000 Genomes Project 0.00020; gnomAD 0.00020 and 0.00021; gnomAD exomes 0.00021 and 0.00032; TOPMed 0.00022; ExAC 0.00025; ESP Exome Variant Server 0.00046.
gnomAD v4.1: 351 of 1,614,164 alleles (0.022%); highest among the groups gnomAD compares: Middle Eastern, 0.099%; no homozygotes.

Submissions (5):

Labcorp Genetics (formerly Invitae), Labcorp
Classification: Likely benign for LAMB2-related infantile-onset nephrotic syndrome; Pierson syndrome. Last evaluated: 2025-11-05. Review status: criteria provided, single submitter. Criteria: Invitae Variant Classification Sherloc (09022015). Collection method: clinical testing. Allele origin: germline.

Mayo Clinic Laboratories, Mayo Clinic
Classification: Uncertain significance. Last evaluated: 2023-01-05. Review status: criteria provided, single submitter. Criteria: ACMG Guidelines, 2015. Collection method: clinical testing. Allele origin: germline. Observed: 1 variant allele.

Baylor Genetics
Classification: Uncertain significance for LAMB2-related infantile-onset nephrotic syndrome. Last evaluated: 2020-01-16. Review status: criteria provided, single submitter. Criteria: ACMG Guidelines, 2015. Collection method: clinical testing. Allele origin: unknown. Affected: yes.
Comment: This variant was determined to be of uncertain significance according to ACMG Guidelines, 2015 [PMID:25741868].

Illumina Laboratory Services, Illumina
Classification: Uncertain significance for LAMB2-related infantile-onset nephrotic syndrome. Last evaluated: 2018-01-13. Review status: criteria provided, single submitter. Criteria: ICSL Variant Classification Criteria 13 December 2019. Collection method: clinical testing. Allele origin: germline.

Illumina Laboratory Services, Illumina
Classification: Uncertain significance for Pierson syndrome. Last evaluated: 2018-01-13. Review status: criteria provided, single submitter. Criteria: ICSL Variant Classification Criteria 13 December 2019. Collection method: clinical testing. Allele origin: germline.

NM_002292.4(LAMB2):c.253G>A (p.Glu85Lys)

Gene: LAMB2 (laminin subunit beta 2; minus strand). Cytogenetic location: 3p21.31.
Variant type: single nucleotide variant.
Coding change: c.253G>A on transcript NM_002292.4 (MANE Select); coding-DNA position 253, G replaced by A.
Protein change: p.Glu85Lys; replaces glutamic acid 85 with lysine.
Molecular consequence: missense variant.
Genome position (GRCh38, 1-based): chr3:49,132,402, C>T on the plus strand (G>A on the coding strand, the complement: LAMB2 is on the minus strand). VCF-style: chr3-49132402-C-T. GRCh37 (hg19) VCF-style: chr3-49169835-C-T.
Other names: p.Glu85Lys; short protein forms E85K.
Identifiers: ClinVar variation 346012 (VCV000346012.16), dbSNP rs140371771, ClinGen allele CA2394979.
Genomic context (GRCh38, chr3:49,132,402, plus strand): 5'-TGTGTGGGTTGTCTCTAGCAGAGAAGGGGCGCCGGGAGTCACAAAGGAAGCACTTCTTTT[C>T]GTCCTGGGTTGGATGGGGATTAGAATCAGTGCCTCAGGCAGTGCCAGCCCCACCCTGACT-3'
Protein context (NP_002283.3, residues 75-95): PYCIVSHLQD[Glu85Lys]KKCFLCDSRR